The following is an entry in ClinVar:

NM_001042492.3(NF1):c.458T>A (p.Val153Asp)

Gene: NF1 (neurofibromin 1; plus strand). Cytogenetic location: 17q11.2.
Variant type: single nucleotide variant.
Coding change: c.458T>A on transcript NM_001042492.3 (MANE Select); coding-DNA position 458, T replaced by A.
Protein change: p.Val153Asp; replaces valine 153 with aspartic acid.
Molecular consequence: missense variant.
Genome position (GRCh38, 1-based): chr17:31,163,355, T>A. VCF-style: chr17-31163355-T-A. GRCh37 (hg19) VCF-style: chr17-29490373-T-A.
Other names: c.458T>A, p.Val153Asp (NM_000267.4, NM_001128147.3); short protein forms V153D.
Identifiers: ClinVar variation 1320506 (VCV001320506.10), dbSNP rs2143673698, ClinGen allele CA398982117.

ClinVar aggregate classification (germline): Uncertain significance. Review status: criteria provided, multiple submitters, no conflicts (2 of 4 stars). 4 submissions from 4 submitters: Uncertain significance (4). Last evaluated 2025-10-31.

Conditions:
Hereditary cancer-predisposing syndrome. Also called: Neoplastic Syndromes, Hereditary; Hereditary Cancer Syndrome; Tumor predisposition; Hereditary neoplastic syndrome. Identifiers: Orphanet 140162, MedGen C0027672, MeSH D009386, MONDO:0015356.
Cardiovascular phenotype. Identifiers: MedGen CN230736.
Neurofibromatosis, type 1 (NF1). Also called: NEUROFIBROMATOSIS, TYPE I, SOMATIC; Peripheral type neurofibromatosis; Neurofibromatosis, type I; VON RECKLINGHAUSEN DISEASE. Identifiers: Orphanet 636, MedGen C0027831, MONDO:0018975, OMIM 162200. Disease mechanism: loss of function.

Submissions (4):

Ambry Genetics
Classification: Uncertain significance for Cardiovascular phenotype; Hereditary cancer-predisposing syndrome. Last evaluated: 2025-10-31. Review status: criteria provided, single submitter. Criteria: Ambry Variant Classification Scheme 2023. Collection method: clinical testing. Allele origin: germline.
Comment: The p.V153D variant (also known as c.458T>A), located in coding exon 4 of the NF1 gene, results from a T to A substitution at nucleotide position 458. The valine at codon 153 is replaced by aspartic acid, an amino acid with highly dissimilar properties. This amino acid position is conserved. In addition, this alteration is predicted to be deleterious by in silico analysis. Based on the available evidence, the clinical significance of this variant remains unclear.

Genome-Nilou Lab
Classification: Uncertain significance for Neurofibromatosis, type 1. Last evaluated: 2022-03-15. Review status: criteria provided, single submitter. Criteria: ACMG Guidelines, 2015. Collection method: clinical testing. Allele origin: germline. Affected: no.

Labcorp Genetics (formerly Invitae), Labcorp
Classification: Uncertain significance for Neurofibromatosis, type 1. Last evaluated: 2021-03-09. Review status: criteria provided, single submitter. Criteria: Invitae Variant Classification Sherloc (09022015). Collection method: clinical testing. Allele origin: germline.
Comment: In summary, the available evidence is currently insufficient to determine the role of this variant in disease. Therefore, it has been classified as a Variant of Uncertain Significance. This sequence change replaces valine with aspartic acid at codon 153 of the NF1 protein (p.Val153Asp). The valine residue is moderately conserved and there is a large physicochemical difference between valine and aspartic acid. This variant is not present in population databases (ExAC no frequency). This variant has not been reported in the literature in individuals with NF1-related conditions. Advanced modeling of protein sequence and biophysical properties (such as structural, functional, and spatial information, amino acid conservation, physicochemical variation, residue mobility, and thermodynamic stability) performed at Invitae indicates that this missense variant is expected to disrupt NF1 protein function.

GeneDx
Classification: Uncertain significance. Last evaluated: 2020-12-17. Review status: criteria provided, single submitter. Criteria: GeneDx Variant Classification Process June 2021. Collection method: clinical testing. Allele origin: germline. Affected: yes.
Comment: Not observed in large population cohorts (Lek 2016); In silico analysis supports that this missense variant has a deleterious effect on protein structure/function; Has not been previously published as pathogenic or benign to our knowledge